The following is an entry in ClinVar:

ClinVar aggregate classification (germline): Benign/Likely benign. Review status: criteria provided, multiple submitters, no conflicts (2 of 4 stars). 5 submissions from 5 submitters: Benign (1); Likely benign (4). Last evaluated 2026-02-03.

Conditions:
Renal cell carcinoma. Identifiers: Orphanet 217071, MedGen C0007134, MeSH D002292, MONDO:0005086, HP:0005584.
Hereditary cancer-predisposing syndrome. Also called: Neoplastic Syndromes, Hereditary; Hereditary Cancer Syndrome; Hereditary neoplastic syndrome; Tumor predisposition. Identifiers: Orphanet 140162, MedGen C0027672, MeSH D009386, MONDO:0015356.
Papillary renal cell carcinoma type 1 (RCCP1). Also called: Renal adenocarcinoma; Renal cell carcinoma 1; Renal cell carcinoma, somatic; RENAL CELL CARCINOMA, PAPILLARY, 1, SOMATIC. Identifiers: Orphanet 47044, MedGen C1336839, OMIM 605074, HP:0011797.

Allele frequency attached by ClinVar (database versions not stated): ExAC 0.00002; gnomAD exomes 0.00002; TOPMed 0.00002; gnomAD 0.00003 and 0.00004; ESP Exome Variant Server 0.00008.
gnomAD v4.1: 66 of 1,605,490 alleles (0.0041%); highest among the groups gnomAD compares: Non-Finnish European, 0.0052%; no homozygotes.

Submissions (5):

Labcorp Genetics (formerly Invitae), Labcorp
Classification: Likely benign for Renal cell carcinoma. Last evaluated: 2026-02-03. Review status: criteria provided, single submitter. Criteria: Invitae Variant Classification Sherloc (09022015). Collection method: clinical testing. Allele origin: germline.

Myriad Genetics, Inc.
Classification: Benign for Papillary renal cell carcinoma type 1. Last evaluated: 2024-11-07. Review status: criteria provided, single submitter. Criteria: Myriad Autosomal Dominant, Autosomal Recessive and X-Linked Classification Criteria (2023). Collection method: clinical testing. Allele origin: unknown.
Comment: This variant is considered benign. This variant is a silent/synonymous amino acid change and it is not expected to impact splicing.

Blueprint Genetics
Classification: Likely benign. Last evaluated: 2022-08-22. Review status: criteria provided, single submitter. Criteria: ACMG Guidelines, 2015. Collection method: clinical testing. Allele origin: germline.

GeneDx
Classification: Likely benign. Last evaluated: 2021-06-02. Review status: criteria provided, single submitter. Criteria: GeneDx Variant Classification Process June 2021. Collection method: clinical testing. Allele origin: germline. Affected: yes.

Ambry Genetics
Classification: Likely benign for Hereditary cancer-predisposing syndrome. Last evaluated: 2019-03-06. Review status: criteria provided, single submitter. Criteria: Ambry Variant Classification Scheme 2023. Collection method: clinical testing. Allele origin: germline.

NM_000245.4(MET):c.1038C>T (p.Phe346=)

Gene: MET (MET proto-oncogene, receptor tyrosine kinase; plus strand). Cytogenetic location: 7q31.2.
Variant type: single nucleotide variant.
Coding change: c.1038C>T on transcript NM_000245.4 (MANE Select); coding-DNA position 1038, C replaced by T.
Protein change: p.Phe346=; no amino-acid change (phenylalanine 346 retained).
Molecular consequence: synonymous variant. On other transcripts: intron variant (1).
Genome position (GRCh38, 1-based): chr7:116,700,122, C>T. VCF-style: chr7-116700122-C-T. GRCh37 (hg19) VCF-style: chr7-116340176-C-T.
Other names: c.1038C>T, p.Phe346= (NM_001127500.3, NM_001324401.3); c.-91+27545C>T (NM_001324402.2).
Identifiers: ClinVar variation 454175 (VCV000454175.22), dbSNP rs376235685, ClinGen allele CA4448060.